The following is an entry in ClinVar:

NM_152383.5(DIS3L2):c.1787A>G (p.Lys596Arg)

Gene: DIS3L2 (DIS3 like 3'-5' exoribonuclease 2; plus strand). Cytogenetic location: 2q37.1.
Variant type: single nucleotide variant.
Coding change: c.1787A>G on transcript NM_152383.5 (MANE Select); coding-DNA position 1787, A replaced by G.
Protein change: p.Lys596Arg; replaces lysine 596 with arginine.
Molecular consequence: missense variant. On other transcripts: intron variant (1).
Genome position (GRCh38, 1-based): chr2:232,329,860, A>G. VCF-style: chr2-232329860-A-G. GRCh37 (hg19) VCF-style: chr2-233194570-A-G.
Other names: c.1582-13485A>G (NM_001257281.2); short protein forms K596R.
Identifiers: ClinVar variation 1492458 (VCV001492458.8), dbSNP rs1695682705, ClinGen allele CA350976019.

ClinVar aggregate classification (germline): Uncertain significance (1 of 4 stars; one submission).

Conditions:
Perlman syndrome (PRLMNS). Identifiers: Orphanet 2849, MedGen C0796113, MONDO:0009965, OMIM 267000.

Allele frequency attached by ClinVar (database versions not stated): TOPMed below 0.00001.

Submission:

Labcorp Genetics (formerly Invitae), Labcorp
Classification: Uncertain significance for Perlman syndrome. Last evaluated: 2022-06-15. Review status: criteria provided, single submitter. Criteria: Invitae Variant Classification Sherloc (09022015). Collection method: clinical testing. Allele origin: germline.
Comment: This variant is not present in population databases (gnomAD no frequency). This sequence change replaces lysine, which is basic and polar, with arginine, which is basic and polar, at codon 596 of the DIS3L2 protein (p.Lys596Arg). This variant has not been reported in the literature in individuals affected with DIS3L2-related conditions. Algorithms developed to predict the effect of missense changes on protein structure and function output the following: SIFT: "Tolerated"; PolyPhen-2: "Benign"; Align-GVGD: "Class C0". The arginine amino acid residue is found in multiple mammalian species, which suggests that this missense change does not adversely affect protein function. In summary, the available evidence is currently insufficient to determine the role of this variant in disease. Therefore, it has been classified as a Variant of Uncertain Significance.